The following is an entry in ClinVar:

ClinVar aggregate classification (germline): Pathogenic (1 of 4 stars; one submission).

Conditions:
Neurofibromatosis, type 1 (NF1). Also called: Peripheral type neurofibromatosis; VON RECKLINGHAUSEN DISEASE; NEUROFIBROMATOSIS, TYPE I, SOMATIC; Neurofibromatosis, type I. Identifiers: Orphanet 636, MedGen C0027831, MONDO:0018975, OMIM 162200. Disease mechanism: loss of function.

Submission:

Labcorp Genetics (formerly Invitae), Labcorp
Classification: Pathogenic for Neurofibromatosis, type 1. Last evaluated: 2018-03-09. Review status: criteria provided, single submitter. Criteria: Invitae Variant Classification Sherloc (09022015). Collection method: clinical testing. Allele origin: germline.
Comment: For these reasons, this variant has been classified as Pathogenic. Loss-of-function variants in NF1 are known to be pathogenic (PMID: 10712197, 23913538). While this particular deletion has not been reported in the literature in individuals with NF1-related disease, gross deletions of the NF1 gene have been observed in many individuals with neurofibromatosis type 1 (PMID: 8116612, 8931693, 9643287). This variant is an out-of-frame deletion of the genomic region encompassing exons 5-47 of the NF1 gene. This is expected to create a premature translational stop signal and result in an absent or disrupted protein product.

Literature cited by the submitters: PubMed 10712197; PubMed 23913538; PubMed 8116612; PubMed 8931693; PubMed 9643287.

NC_000017.11:g.(?_31169871)_(31343155_?)del

Genes: EVI2A (ecotropic viral integration site 2A; minus strand), EVI2B (ecotropic viral integration site 2B; minus strand), NF1 (neurofibromin 1; plus strand), OMG (oligodendrocyte myelin glycoprotein; minus strand), LOC108281181 (NF1 intron 8 Alu-mediated recombination region; plus strand) and 3 more. Cytogenetic location: 17q11.2.
Variant type: Deletion.
Identifiers: ClinVar variation 583535 (VCV000583535.3).